The following is an entry in ClinVar:

ClinVar aggregate classification (germline): Uncertain significance. Review status: criteria provided, multiple submitters, no conflicts (2 of 4 stars). 4 submissions from 3 submitters: Uncertain significance (4). Last evaluated 2025-11-10.

Conditions:
Familial cutaneous telangiectasia and oropharyngeal predisposition cancer syndrome. Identifiers: Orphanet 313846, MedGen C3281203, MONDO:0013806, OMIM 614564.
Seckel syndrome 1 (SCKL1). Also called: MICROCEPHALIC PRIMORDIAL DWARFISM I. Identifiers: Orphanet 808, MedGen C4551474, MONDO:0008869, OMIM 210600.
Inborn genetic diseases. Identifiers: MedGen C0950123, MeSH D030342.

Allele frequency attached by ClinVar (database versions not stated): TOPMed 0.00001.

Submissions (4):

Labcorp Genetics (formerly Invitae), Labcorp
Classification: Uncertain significance. Last evaluated: 2025-11-10. Review status: criteria provided, single submitter. Criteria: Invitae Variant Classification Sherloc (09022015). Collection method: clinical testing. Allele origin: germline.
Comment: This sequence change replaces histidine, which is basic and polar, with arginine, which is basic and polar, at codon 664 of the ATR protein (p.His664Arg). This variant is not present in population databases (gnomAD no frequency). This variant has not been reported in the literature in individuals affected with ATR-related conditions. ClinVar contains an entry for this variant (Variation ID: 1346031). An algorithm developed to predict the effect of missense changes on protein structure and function (PolyPhen-2) suggests that this variant is likely to be tolerated. In summary, the available evidence is currently insufficient to determine the role of this variant in disease. Therefore, it has been classified as a Variant of Uncertain Significance.

Genome-Nilou Lab
Classification: Uncertain significance for Seckel syndrome 1. Last evaluated: 2023-02-08. Review status: criteria provided, single submitter. Criteria: ACMG Guidelines, 2015. Collection method: clinical testing. Allele origin: germline.

Genome-Nilou Lab
Classification: Uncertain significance for Familial cutaneous telangiectasia and oropharyngeal predisposition cancer syndrome. Last evaluated: 2023-02-08. Review status: criteria provided, single submitter. Criteria: ACMG Guidelines, 2015. Collection method: clinical testing. Allele origin: germline.

Ambry Genetics
Classification: Uncertain significance for Inborn genetic diseases. Last evaluated: 2021-09-28. Review status: criteria provided, single submitter. Criteria: Ambry Variant Classification Scheme 2023. Collection method: clinical testing. Allele origin: germline.
Comment: The p.H664R variant (also known as c.1991A>G), located in coding exon 9 of the ATR gene, results from an A to G substitution at nucleotide position 1991. The histidine at codon 664 is replaced by arginine, an amino acid with highly similar properties. This amino acid position is conserved. In addition, this alteration is predicted to be tolerated by in silico analysis. Since supporting evidence is limited at this time, the clinical significance of this alteration remains unclear.

NM_001184.4(ATR):c.1991A>G (p.His664Arg)

Gene: ATR (ATR checkpoint kinase; minus strand). Cytogenetic location: 3q23.
Variant type: single nucleotide variant.
Coding change: c.1991A>G on transcript NM_001184.4 (MANE Select); coding-DNA position 1991, A replaced by G.
Protein change: p.His664Arg; replaces histidine 664 with arginine.
Molecular consequence: missense variant.
Genome position (GRCh38, 1-based): chr3:142,556,470, T>C on the plus strand (A>G on the coding strand, the complement: ATR is on the minus strand). VCF-style: chr3-142556470-T-C. GRCh37 (hg19) VCF-style: chr3-142275312-T-C.
Other names: c.1799A>G, p.His600Arg (NM_001354579.2); short protein forms H664R, H600R.
Identifiers: ClinVar variation 1346031 (VCV001346031.10), dbSNP rs1458351462, ClinGen allele CA354819282.
Genomic context (GRCh38, chr3:142,556,470, plus strand): 5'-GAATTCTGCTGCTGCAATAAGATAAAAAATCCACTAACACAACTAGCCCGGATTACTTCA[T>C]GGGAGCTCTGCAGGGCCCAGTTGTAAACTGCTGTTCTCCACTCAAGGAATATTCTTCTTG-3'
Protein context (NP_001175.2, residues 654-674): AVYNWALQSS[His664Arg]EVIRASCVSG